The following is an entry in ClinVar:

ClinVar aggregate classification (germline): Uncertain significance (1 of 4 stars; one submission).

Conditions:
Developmental and epileptic encephalopathy, 42 (DEE42A). Also called: DEVELOPMENTAL AND EPILEPTIC ENCEPHALOPATHY 42A; EPILEPTIC ENCEPHALOPATHY, EARLY INFANTILE, 42A; Epileptic encephalopathy, early infantile, 42. Identifiers: MedGen C4310716, MONDO:0014917, OMIM 617106.
Episodic ataxia type 2 (EA2). Also called: ACETAZOLAMIDE-RESPONSIVE HEREDITARY PAROXYSMAL CEREBELLAR ATAXIA; EPISODIC ATAXIA, NYSTAGMUS-ASSOCIATED; ATAXIA, EPISODIC, WITH NYSTAGMUS; ATAXIA, FAMILIAL PAROXYSMAL; CEREBELLAR ATAXIA, PAROXYSMAL, ACETAZOLAMIDE-RESPONSIVE; CEREBELLOPATHY, HEREDITARY PAROXYSMAL. Identifiers: Orphanet 97, MedGen C1720416, MONDO:0007163, OMIM 108500.

Allele frequency attached by ClinVar (database versions not stated): gnomAD exomes below 0.00001.
gnomAD v4.1: 2 of 1,569,616 alleles (0.00013%); highest among the groups gnomAD compares: Middle Eastern, 0.02%; no homozygotes.

Submission:

Labcorp Genetics (formerly Invitae), Labcorp
Classification: Uncertain significance for Developmental and epileptic encephalopathy, 42; Episodic ataxia type 2. Last evaluated: 2022-02-10. Review status: criteria provided, single submitter. Criteria: Invitae Variant Classification Sherloc (09022015). Collection method: clinical testing. Allele origin: germline.
Comment: This variant is present in population databases (no rsID available, gnomAD 0.001%). In summary, the available evidence is currently insufficient to determine the role of this variant in disease. Therefore, it has been classified as a Variant of Uncertain Significance. Advanced modeling of protein sequence and biophysical properties (such as structural, functional, and spatial information, amino acid conservation, physicochemical variation, residue mobility, and thermodynamic stability) performed at Invitae indicates that this missense variant is not expected to disrupt CACNA1A protein function. ClinVar contains an entry for this variant (Variation ID: 1011490). This variant has not been reported in the literature in individuals affected with CACNA1A-related conditions. This sequence change replaces arginine, which is basic and polar, with lysine, which is basic and polar, at codon 941 of the CACNA1A protein (p.Arg941Lys).

NM_001127222.2(CACNA1A):c.2819G>A (p.Arg940Lys)

Gene: CACNA1A (calcium voltage-gated channel subunit alpha1 A; minus strand). Cytogenetic location: 19p13.13.
Variant type: single nucleotide variant.
Coding change: c.2819G>A on transcript NM_001127222.2 (MANE Select); coding-DNA position 2819, G replaced by A.
Protein change: p.Arg940Lys; replaces arginine 940 with lysine.
Molecular consequence: missense variant.
Genome position (GRCh38, 1-based): chr19:13,298,814, C>T on the plus strand (G>A on the coding strand, the complement: CACNA1A is on the minus strand). VCF-style: chr19-13298814-C-T. GRCh37 (hg19) VCF-style: chr19-13409628-C-T.
Other names: c.2831G>A, p.Arg944Lys (NM_000068.4, NM_023035.3); c.2822G>A, p.Arg941Lys (NM_001127221.2, NM_001174080.2); short protein forms R940K, R941K, R944K.
Identifiers: ClinVar variation 1011490 (VCV001011490.9), dbSNP rs1439559578, ClinGen allele CA404342657.